The following is an entry in ClinVar:

NM_000059.4(BRCA2):c.3693T>A (p.Thr1231=)

Gene: BRCA2 (BRCA2 DNA repair associated; plus strand). Cytogenetic location: 13q13.1.
Variant type: single nucleotide variant.
Coding change: c.3693T>A on transcript NM_000059.4 (MANE Select); coding-DNA position 3693, T replaced by A.
Protein change: p.Thr1231=; no amino-acid change (threonine 1231 retained).
Molecular consequence: synonymous variant. On other transcripts: non-coding transcript variant (1), intron variant (2).
Genome position (GRCh38, 1-based): chr13:32,338,048, T>A. VCF-style: chr13-32338048-T-A. GRCh37 (hg19) VCF-style: chr13-32912185-T-A.
Other names: c.3693T>A, p.Thr1231= (NM_001406719.1, NM_001406720.1); c.1909+4661T>A (NM_001406721.1); c.425-6510T>A (NM_001406722.1).
Identifiers: ClinVar variation 2774902 (VCV002774902.3), dbSNP rs751232859, ClinGen allele CA483437725.

ClinVar aggregate classification (germline): Likely benign. Review status: criteria provided, multiple submitters, no conflicts (2 of 4 stars). 2 submissions from 2 submitters: Likely benign (2). Last evaluated 2023-04-28.

Conditions:
Hereditary cancer-predisposing syndrome. Also called: Hereditary Cancer Syndrome; Hereditary neoplastic syndrome; Tumor predisposition; Neoplastic Syndromes, Hereditary. Identifiers: Orphanet 140162, MedGen C0027672, MeSH D009386, MONDO:0015356.
Breast-ovarian cancer, familial, susceptibility to, 2 (BROVCA2). Also called: BRCA2 Hereditary Breast and Ovarian Cancer. Identifiers: Orphanet 145, MedGen C2675520, MONDO:0012933, OMIM 612555. Disease mechanism: loss of function.

Submissions (2):

All of Us Research Program, National Institutes of Health
Classification: Likely benign for Breast-ovarian cancer, familial, susceptibility to, 2. Last evaluated: 2023-04-28. Review status: criteria provided, single submitter. Criteria: ACMG Guidelines, 2015. Collection method: clinical testing. Allele origin: germline. Inheritance: Autosomal dominant inheritance. Observed: 1 variant allele, 1 heterozygote.
Comment: This study involves interpretation of variants in research participants for the purpose of population health screening. Participant phenotype was not available at the time of variant classification. Additional details can be found in publication PMID: 35346344, PMCID: PMC8962531

Color Diagnostics, LLC DBA Color Health
Classification: Likely benign for Hereditary cancer-predisposing syndrome. Last evaluated: 2022-04-29. Review status: criteria provided, single submitter. Criteria: ACMG Guidelines, 2015. Collection method: clinical testing. Allele origin: germline.